The following is an entry in ClinVar:

ClinVar aggregate classification (germline): Likely benign. Review status: criteria provided, multiple submitters, no conflicts (2 of 4 stars). 2 submissions from 2 submitters: Likely benign (2). Last evaluated 2026-01-18.

Conditions:
Niemann-Pick disease, type B. Also called: Chronic Visceral ASMD (Niemann-Pick Disease Type B; NPD-B). Identifiers: Orphanet 77293, MedGen C0268243, MONDO:0011871, OMIM 607616. Disease mechanism: loss of function.
Niemann-Pick disease, type A. Also called: Infantile Neurovisceral ASMD (Niemann-Pick Disease Type A; NPD-A); SPHINGOMYELIN LIPIDOSIS; SPHINGOMYELINASE DEFICIENCY. Identifiers: Orphanet 77292, MedGen C0268242, MONDO:0009756, OMIM 257200. Disease mechanism: loss of function.
SMPD1-related disorder. Also called: SMPD1-related condition.

Submissions (2):

Labcorp Genetics (formerly Invitae), Labcorp
Classification: Likely benign for Niemann-Pick disease, type B; Niemann-Pick disease, type A. Last evaluated: 2026-01-18. Review status: criteria provided, single submitter. Criteria: Invitae Variant Classification Sherloc (09022015). Collection method: clinical testing. Allele origin: germline.

PreventionGenetics, part of Exact Sciences
Classification: Likely benign for SMPD1-related condition. Last evaluated: 2025-05-23. Review status: criteria provided, single submitter. Criteria: ACMG Guidelines, 2015. Collection method: clinical testing. Allele origin: germline.
Comment: This variant is classified as likely benign based on ACMG/AMP sequence variant interpretation guidelines (Richards et al. 2015 PMID: 25741868, with internal and published modifications).

NM_000543.5(SMPD1):c.615C>T (p.Phe205=)

Gene: SMPD1 (sphingomyelin phosphodiesterase 1; plus strand). Cytogenetic location: 11p15.4.
Variant type: single nucleotide variant.
Coding change: c.615C>T on transcript NM_000543.5 (MANE Select); coding-DNA position 615, C replaced by T.
Protein change: p.Phe205=; no amino-acid change (phenylalanine 205 retained).
Molecular consequence: synonymous variant. On other transcripts: 5 prime UTR variant (1), non-coding transcript variant (1).
Genome position (GRCh38, 1-based): chr11:6,391,680, C>T. VCF-style: chr11-6391680-C-T. GRCh37 (hg19) VCF-style: chr11-6412910-C-T.
Other names: c.612C>T, p.Phe204= (NM_001007593.3); c.615C>T, p.Phe205= (NM_001318087.2, NM_001365135.2); c.-347C>T (NM_001318088.2); c.615C>T (NM_000543.4).
Identifiers: ClinVar variation 1083677 (VCV001083677.11), dbSNP rs2134010647, ClinGen allele CA472909751.
Genomic context (GRCh38, chr11:6,391,680, plus strand): 5'-GCCGCCCCCCAAACCCCCTAGCCCCCCAGCCCCAGGTGCCCCTGTCAGCCGCATCCTCTT[C>T]CTCACTGACCTGCACTGGGATCATGACTACCTGGAGGGCACGGACCCTGACTGTGCAGAC-3'
Protein context (NP_000534.3, residues 195-215): APGAPVSRIL[Phe205=]LTDLHWDHDY